The following is an entry in ClinVar:

ClinVar aggregate classification (germline): Uncertain significance (1 of 4 stars; one submission).

Conditions:
Succinate-semialdehyde dehydrogenase deficiency (SSADHD). Also called: 4-HYDROXYBUTYRIC ACIDURIA; Succinic Semialdehyde Dehydrogenase Deficiency; GABA METABOLIC DEFECT; SSADH DEFICIENCY. Identifiers: Orphanet 22, MedGen C0268631, MONDO:0010083, OMIM 271980.

gnomAD v4.1: 4 of 1,614,228 alleles (0.00025%); highest among the groups gnomAD compares: East Asian, 0.0089%; no homozygotes.

Submission:

Labcorp Genetics (formerly Invitae), Labcorp
Classification: Uncertain significance for Succinate-semialdehyde dehydrogenase deficiency. Last evaluated: 2022-07-15. Review status: criteria provided, single submitter. Criteria: Invitae Variant Classification Sherloc (09022015). Collection method: clinical testing. Allele origin: germline.
Comment: In summary, the available evidence is currently insufficient to determine the role of this variant in disease. Therefore, it has been classified as a Variant of Uncertain Significance. Algorithms developed to predict the effect of missense changes on protein structure and function are either unavailable or do not agree on the potential impact of this missense change (SIFT: "Deleterious"; PolyPhen-2: "Possibly Damaging"; Align-GVGD: "Class C0"). This variant has not been reported in the literature in individuals affected with ALDH5A1-related conditions. This variant is not present in population databases (gnomAD no frequency). This sequence change replaces valine, which is neutral and non-polar, with leucine, which is neutral and non-polar, at codon 226 of the ALDH5A1 protein (p.Val226Leu).

NM_001080.3(ALDH5A1):c.676G>C (p.Val226Leu)

Gene: ALDH5A1 (aldehyde dehydrogenase 5 family member A1; plus strand). Cytogenetic location: 6p22.3.
Variant type: single nucleotide variant.
Coding change: c.676G>C on transcript NM_001080.3 (MANE Select); coding-DNA position 676, G replaced by C.
Protein change: p.Val226Leu; replaces valine 226 with leucine.
Molecular consequence: missense variant.
Genome position (GRCh38, 1-based): chr6:24,504,935, G>C. VCF-style: chr6-24504935-G-C. GRCh37 (hg19) VCF-style: chr6-24505163-G-C.
Other names: c.676G>C, p.Val226Leu (NM_001368954.1, NM_170740.1); short protein forms V226L.
Identifiers: ClinVar variation 2024373 (VCV002024373.4), dbSNP rs770884090, ClinGen allele CA362970109.